The following is an entry in ClinVar:

ClinVar aggregate classification (germline): Pathogenic (3 of 4 stars; one submission).

Conditions:
Breast-ovarian cancer, familial, susceptibility to, 1 (BROVCA1). Also called: BRCA1 Hereditary Breast and Ovarian Cancer; OVARIAN CANCER, SUSCEPTIBILITY TO. Identifiers: Orphanet 145, MedGen C2676676, MONDO:0011450, OMIM 604370. Disease mechanism: loss of function.

Submission:

Evidence-based Network for the Interpretation of Germline Mutant Alleles (ENIGMA)
Classification: Pathogenic for Breast-ovarian cancer, familial, susceptibility to, 1. Last evaluated: 2017-12-15. Review status: reviewed by expert panel. Criteria: ENIGMA BRCA1/2 Classification Criteria (2017-06-29). Collection method: curation. Allele origin: germline. Study: ENIGMA.
Comment: Variant allele predicted to encode a truncated non-functional protein.

NM_007294.4(BRCA1):c.1081_1082insA (p.Ser361fs)

Gene: BRCA1 (BRCA1 DNA repair associated; minus strand). Cytogenetic location: 17q21.31.
Variant type: Insertion.
Coding change: c.1081_1082insA on transcript NM_007294.4 (MANE Select); coding-DNA positions 1081 to 1082, A inserted.
Protein change: p.Ser361fs; shifts the reading frame from serine 361.
Molecular consequence: frameshift variant. On other transcripts: intron variant (137).
Genome position: GRCh38 VCF-style: chr17-43094449-G-GT. GRCh37 (hg19) VCF-style: chr17-41246466-G-GT.
Other names: c.868_869insA, p.Ser290fs (NM_001407571.1, NM_001407853.1, NM_001407894.1 and 9 more transcripts); c.1081_1082insA, p.Ser361fs (NM_001407581.1, NM_001407582.1, NM_001407583.1 and 30 more transcripts); c.1078_1079insA, p.Ser360fs (NM_001407587.1, NM_001407590.1, NM_001407591.1 and 22 more transcripts); c.1003_1004insA, p.Ser335fs (NM_001407657.1, NM_001407658.1, NM_001407663.1 and 4 more transcripts); c.1000_1001insA, p.Ser334fs (NM_001407659.1, NM_001407660.1, NM_001407661.1 and 1 more transcripts); c.958_959insA, p.Ser320fs (NM_001407664.1, NM_001407675.1, NM_001407676.1 and 19 more transcripts); c.940_941insA, p.Ser314fs (NM_001407694.1, NM_001407695.1, NM_001407696.1 and 29 more transcripts); c.937_938insA, p.Ser313fs (NM_001407740.1, NM_001407741.1, NM_001407742.1 and 20 more transcripts); and 40 more; short protein forms S314fs, S361fs, S193fs, S233fs, S250fs, S273fs, S313fs, S293fs.
Identifiers: ClinVar variation 548292 (VCV000548292.2), dbSNP rs1555592544, ClinGen allele CA658824540.